The following is an entry in ClinVar:

ClinVar aggregate classification (germline): Uncertain significance (1 of 4 stars; one submission).

Conditions:
Costello syndrome (CSTLO). Also called: FACIOCUTANEOSKELETAL SYNDROME; HRAS-Related Costello Syndrome; FCS SYNDROME. Identifiers: Orphanet 3071, MedGen C0587248, MONDO:0009026, OMIM 218040.

Submission:

Labcorp Genetics (formerly Invitae), Labcorp
Classification: Uncertain significance for Costello syndrome. Last evaluated: 2025-10-02. Review status: criteria provided, single submitter. Criteria: Invitae Variant Classification Sherloc (09022015). Collection method: clinical testing. Allele origin: germline.
Comment: This sequence change replaces alanine, which is neutral and non-polar, with serine, which is neutral and polar, at codon 155 of the HRAS protein (p.Ala155Ser). This variant is not present in population databases (gnomAD no frequency). This variant has not been reported in the literature in individuals affected with HRAS-related conditions. ClinVar contains an entry for this variant (Variation ID: 936794). Invitae Evidence Modeling of protein sequence and biophysical properties (such as structural, functional, and spatial information, amino acid conservation, physicochemical variation, residue mobility, and thermodynamic stability) has been performed for this missense variant. However, the output from this modeling did not meet the statistical confidence thresholds required to predict the impact of this variant on HRAS protein function. In summary, the available evidence is currently insufficient to determine the role of this variant in disease. Therefore, it has been classified as a Variant of Uncertain Significance.

NM_005343.4(HRAS):c.463G>T (p.Ala155Ser)

Genes: HRAS (HRas proto-oncogene, GTPase; minus strand), LRRC56 (leucine rich repeat containing 56; plus strand). Cytogenetic location: 11p15.5.
Variant type: single nucleotide variant.
Coding change: c.463G>T on transcript NM_005343.4 (MANE Select); coding-DNA position 463, G replaced by T.
Protein change: p.Ala155Ser; replaces alanine 155 with serine.
Molecular consequence: missense variant. On other transcripts: 3 prime UTR variant (1).
Genome position (GRCh38, 1-based): chr11:532,743, C>A on the plus strand (G>T on the coding strand, the complement: HRAS is on the minus strand). VCF-style: chr11-532743-C-A. GRCh37 (hg19) VCF-style: chr11-532743-C-A.
Other names: c.463G>T, p.Ala155Ser (NM_001130442.3); c.226G>T, p.Ala76Ser (NM_001318054.2); c.*32G>T (NM_176795.5); short protein forms A76S, A155S.
Identifiers: ClinVar variation 936794 (VCV000936794.10), dbSNP rs1171537215, ClinGen allele CA378921217.